The following is an entry in ClinVar:

ClinVar aggregate classification (germline): Uncertain significance (1 of 4 stars; one submission).

Submission:

Labcorp Genetics (formerly Invitae), Labcorp
Classification: Uncertain significance. Last evaluated: 2022-08-06. Review status: criteria provided, single submitter. Criteria: Invitae Variant Classification Sherloc (09022015). Collection method: clinical testing. Allele origin: germline.
Comment: In summary, the available evidence is currently insufficient to determine the role of this variant in disease. Therefore, it has been classified as a Variant of Uncertain Significance. Algorithms developed to predict the effect of missense changes on protein structure and function are either unavailable or do not agree on the potential impact of this missense change (SIFT: "Deleterious"; PolyPhen-2: "Benign"; Align-GVGD: "Class C0"). This variant has not been reported in the literature in individuals affected with EYS-related conditions. This variant is not present in population databases (gnomAD no frequency). This sequence change replaces glutamine, which is neutral and polar, with proline, which is neutral and non-polar, at codon 2978 of the EYS protein (p.Gln2978Pro).

NM_001142800.2(EYS):c.8933A>C (p.Gln2978Pro)

Genes: EYS (EGF-like photoreceptor maintenance factor; minus strand), PHF3 (PHD finger protein 3; plus strand). Cytogenetic location: 6q12.
Variant type: single nucleotide variant.
Coding change: c.8933A>C on transcript NM_001142800.2 (MANE Select); coding-DNA position 8933, A replaced by C.
Protein change: p.Gln2978Pro; replaces glutamine 2978 with proline.
Molecular consequence: missense variant. On other transcripts: 3 prime UTR variant (5).
Genome position (GRCh38, 1-based): chr6:63,721,098, T>G on the plus strand (A>C on the coding strand, the complement: EYS is on the minus strand). VCF-style: chr6-63721098-T-G. GRCh37 (hg19) VCF-style: chr6-64430994-T-G.
Other names: c.*7390T>G (NM_001290259.2, NM_001370348.2, NM_001370349.2 and 2 more transcripts); c.8996A>C, p.Gln2999Pro (NM_001292009.2); short protein forms Q2999P, Q2978P.
Identifiers: ClinVar variation 2161578 (VCV002161578.4), dbSNP rs2533388459, ClinGen allele CA364383639.
Genomic context (GRCh38, chr6:63,721,098, plus strand): 5'-ATCCATACAATTAGACCTTCTGTTTTAGTGGTACTGAAATTTAAGGATATAGTAGTGAAC[T>G]GGAGGTTTCTCATTCTATAATTTGGATCAATGTATTTAATGTAAGAATTACCCATAAATT-3'
Protein context (NP_001136272.1, residues 2968-2988): IDPNYRMRNL[Gln2978Pro]FTTISLNFST